The following is an entry in ClinVar:

NM_032802.4(SPPL2A):c.1271G>C (p.Arg424Thr)

Gene: SPPL2A (signal peptide peptidase like 2A; minus strand). Cytogenetic location: 15q21.2.
Variant type: single nucleotide variant.
Coding change: c.1271G>C on transcript NM_032802.4 (MANE Select); coding-DNA position 1271, G replaced by C.
Protein change: p.Arg424Thr; replaces arginine 424 with threonine.
Molecular consequence: missense variant.
Genome position (GRCh38, 1-based): chr15:50,722,180, C>G on the plus strand (G>C on the coding strand, the complement: SPPL2A is on the minus strand). VCF-style: chr15-50722180-C-G. GRCh37 (hg19) VCF-style: chr15-51014377-C-G.
Other names: c.1271G>C (NM_032802.3); short protein forms R424T.
Identifiers: ClinVar variation 2912082 (VCV002912082.4), dbSNP rs2062653836, ClinGen allele CA392408357.

ClinVar aggregate classification (germline): Uncertain significance. Review status: criteria provided, multiple submitters, no conflicts (2 of 4 stars). 2 submissions from 2 submitters: Uncertain significance (2). Last evaluated 2025-09-27.

Allele frequency attached by ClinVar (database versions not stated): gnomAD exomes 0.00001.
gnomAD v4.1: 11 of 1,594,770 alleles (0.00069%); highest among the groups gnomAD compares: African/African-American, 0.012%; no homozygotes.

Submissions (2):

Ambry Genetics
Classification: Uncertain significance. Last evaluated: 2025-09-27. Review status: criteria provided, single submitter. Criteria: Ambry Variant Classification Scheme 2023. Collection method: clinical testing. Allele origin: germline.

Labcorp Genetics (formerly Invitae), Labcorp
Classification: Uncertain significance. Last evaluated: 2023-04-26. Review status: criteria provided, single submitter. Criteria: Invitae Variant Classification Sherloc (09022015). Collection method: clinical testing. Allele origin: germline.
Comment: In summary, the available evidence is currently insufficient to determine the role of this variant in disease. Therefore, it has been classified as a Variant of Uncertain Significance. An algorithm developed to predict the effect of missense changes on protein structure and function (PolyPhen-2) suggests that this variant is likely to be disruptive. This variant has not been reported in the literature in individuals affected with SPPL2A-related conditions. This variant is not present in population databases (gnomAD no frequency). This sequence change replaces arginine, which is basic and polar, with threonine, which is neutral and polar, at codon 424 of the SPPL2A protein (p.Arg424Thr).